The following is an entry in ClinVar:

NM_001063.4(TF):c.1825C>T (p.Arg609Trp)

Gene: TF (transferrin; plus strand). Cytogenetic location: 3q22.1.
Variant type: single nucleotide variant.
Coding change: c.1825C>T on transcript NM_001063.4 (MANE Select); coding-DNA position 1825, C replaced by T.
Protein change: p.Arg609Trp; replaces arginine 609 with tryptophan.
Molecular consequence: missense variant.
Genome position (GRCh38, 1-based): chr3:133,775,570, C>T. VCF-style: chr3-133775570-C-T. GRCh37 (hg19) VCF-style: chr3-133494414-C-T.
Other names: c.1693C>T, p.Arg565Trp (NM_001354703.2); c.1444C>T, p.Arg482Trp (NM_001354704.2); short protein forms R609W, R482W, R565W.
Identifiers: ClinVar variation 218294 (VCV000218294.3), dbSNP rs773139494, ClinGen allele CA211198.
Genomic context (GRCh38, chr3:133,775,570, plus strand): 5'-CCTGTGGAGGAGTATGCGAACTGCCACCTGGCCAGAGCCCCGAATCACGCTGTGGTCACA[C>T]GGAAAGATAAGGAAGCTTGCGTCCACAAGATATTACGTCAACAGCAGGTATGGACCAGCC-3'
Protein context (NP_001054.2, residues 599-619): ARAPNHAVVT[Arg609Trp]KDKEACVHKI

ClinVar aggregate classification (germline): Likely pathogenic. Review status: criteria provided, multiple submitters, no conflicts (2 of 4 stars). 3 submissions from 3 submitters: Likely pathogenic (2). 1 of the submissions does not count toward it. Last evaluated 2026-08-31.

Conditions:
Atransferrinemia. Also called: Familial hypotransferrinemia. Identifiers: Orphanet 1195, MedGen C0521802, MONDO:0008846, OMIM 209300, HP:0012239.

Allele frequency attached by ClinVar (database versions not stated): TOPMed 0.00002.
gnomAD v4.1: 3 of 1,614,038 alleles (0.00019%); highest among the groups gnomAD compares: African/African-American, 0.0013%; no homozygotes.

Submissions (3):

Myriad Genetics, Inc.
Classification: Likely pathogenic for Atransferrinemia. Last evaluated: 2026-08-31. Review status: criteria provided, single submitter. Criteria: Myriad Autosomal Dominant, Autosomal Recessive and X-Linked Classification Criteria (2023). Collection method: clinical testing. Allele origin: unknown.
Comment: NM_001063.3(TF):c.1825C>T(R609W) is a missense variant classified as likely pathogenic in the context of atransferrinemia. R609W has been observed in cases with relevant disease (PMID: 23888904, 25486930, 32028041). Relevant functional assessments of this variant are not available in the literature. Internal structural analysis of the variant is supportive of pathogenicity. R609W has not been observed in referenced population frequency databases. In summary, NM_001063.3(TF):c.1825C>T(R609W) is a missense variant that has internal structural support for pathogenicity and has been observed more frequently in cases with the relevant disease than in healthy populations. Please note: this variant was assessed in the context of healthy population screening.

Fulgent Genetics
Classification: Likely pathogenic for Atransferrinemia. Last evaluated: 2024-01-09. Review status: criteria provided, single submitter. Criteria: ACMG Guidelines, 2015. Collection method: clinical testing. Allele origin: germline.

Dept of Medicine and Surgery, University of Milano-Bicocca
Classification: Likely pathogenic for Atransferrinemia. Review status: no assertion criteria provided. Collection method: clinical testing. Allele origin: germline. Inheritance: Autosomal recessive inheritance. Affected: yes. Observed: 1 homozygote. Not counted in ClinVar's aggregate classification.

Literature cited by the submitters: PubMed 23888904 (cited by Myriad Genetics, Inc.); PubMed 25486930 (cited by Myriad Genetics, Inc.); PubMed 32028041 (cited by Myriad Genetics, Inc.); PubMed 11920219 (cited by Dept of Medicine and Surgery, University of Milano-Bicocca); PubMed 17768112 (cited by Dept of Medicine and Surgery, University of Milano-Bicocca).